The following is an entry in ClinVar:

NM_000093.5(COL5A1):c.1390-277C>T

Gene: COL5A1 (collagen type V alpha 1 chain; plus strand). Cytogenetic location: 9q34.3.
Variant type: single nucleotide variant.
Coding change: c.1390-277C>T on transcript NM_000093.5 (MANE Select); 277 bases into the intron before coding-DNA position 1390, C replaced by T.
Molecular consequence: intron variant.
Genome position (GRCh38, 1-based): chr9:134,738,197, C>T. VCF-style: chr9-134738197-C-T. GRCh37 (hg19) VCF-style: chr9-137630043-C-T.
Other names: c.1390-277C>T (NM_001278074.1).
Identifiers: ClinVar variation 669629 (VCV000669629.1), dbSNP rs79210210, ClinGen allele CA13060241.

ClinVar aggregate classification (germline): Likely benign (1 of 4 stars; one submission).

Allele frequency attached by ClinVar (database versions not stated): 1000 Genomes Project 0.02157; 1000 Genomes Project 30x 0.02202; gnomAD 0.02726 and 0.02804; TOPMed 0.02870.
gnomAD v4.1: 4,164 of 152,266 alleles (2.7%); highest among the groups gnomAD compares: Middle Eastern, 3.7%; 71 homozygotes.

Submission:

GeneDx
Classification: Likely benign. Last evaluated: 2018-06-16. Review status: criteria provided, single submitter. Criteria: GeneDx Variant Classification (06012015). Collection method: clinical testing. Allele origin: germline. Affected: yes.
Comment: This variant is considered likely benign or benign based on one or more of the following criteria: it is a conservative change, it occurs at a poorly conserved position in the protein, it is predicted to be benign by multiple in silico algorithms, and/or has population frequency not consistent with disease.